The following is an entry in ClinVar:

ClinVar aggregate classification (germline): Uncertain significance. Review status: criteria provided, multiple submitters, no conflicts (2 of 4 stars). 2 submissions from 2 submitters: Uncertain significance (2). Last evaluated 2022-06-27.

Conditions:
Nephronophthisis. Also called: Juvenile Nephronophthisis. Identifiers: Orphanet 655, MedGen C0687120, MONDO:0019005, HP:0000090.

Allele frequency attached by ClinVar (database versions not stated): gnomAD exomes 0.00001 and 0.00002; ExAC 0.00002; gnomAD 0.00003.
gnomAD v4.1: 11 of 1,611,804 alleles (0.00068%); highest among the groups gnomAD compares: Middle Eastern, 0.019%; no homozygotes.

Submissions (2):

Labcorp Genetics (formerly Invitae), Labcorp
Classification: Uncertain significance for Nephronophthisis. Last evaluated: 2022-06-27. Review status: criteria provided, single submitter. Criteria: Invitae Variant Classification Sherloc (09022015). Collection method: clinical testing. Allele origin: germline.
Comment: This sequence change replaces serine, which is neutral and polar, with threonine, which is neutral and polar, at codon 1020 of the NPHP4 protein (p.Ser1020Thr). This variant is present in population databases (rs754216736, gnomAD 0.002%). This variant has not been reported in the literature in individuals affected with NPHP4-related conditions. ClinVar contains an entry for this variant (Variation ID: 593173). Algorithms developed to predict the effect of missense changes on protein structure and function (SIFT, PolyPhen-2, Align-GVGD) all suggest that this variant is likely to be tolerated. In summary, the available evidence is currently insufficient to determine the role of this variant in disease. Therefore, it has been classified as a Variant of Uncertain Significance.

Eurofins Ntd Llc (ga)
Classification: Uncertain significance. Last evaluated: 2017-07-10. Review status: criteria provided, single submitter. Criteria: EGL Classification Definitions 2015. Collection method: clinical testing. Allele origin: germline. Observed: 1 variant allele, 1 heterozygote.

NM_015102.5(NPHP4):c.3059G>C (p.Ser1020Thr)

Gene: NPHP4 (nephrocystin 4; minus strand). Cytogenetic location: 1p36.31.
Variant type: single nucleotide variant.
Coding change: c.3059G>C on transcript NM_015102.5 (MANE Select); coding-DNA position 3059, G replaced by C.
Protein change: p.Ser1020Thr; replaces serine 1020 with threonine.
Molecular consequence: missense variant. On other transcripts: non-coding transcript variant (1).
Genome position (GRCh38, 1-based): chr1:5,874,643, C>G on the plus strand (G>C on the coding strand, the complement: NPHP4 is on the minus strand). VCF-style: chr1-5874643-C-G. GRCh37 (hg19) VCF-style: chr1-5934703-C-G.
Other names: c.1520G>C, p.Ser507Thr (NM_001291593.2); c.1523G>C, p.Ser508Thr (NM_001291594.2); short protein forms S1020T, S508T, S507T.
Identifiers: ClinVar variation 593173 (VCV000593173.10), dbSNP rs754216736, ClinGen allele CA553804.